The following is an entry in ClinVar:

NM_000238.4(KCNH2):c.1111_1123del (p.Thr371fs)

Gene: KCNH2 (potassium voltage-gated channel subfamily H member 2; minus strand). Cytogenetic location: 7q36.1.
Variant type: Deletion.
Coding change: c.1111_1123del on transcript NM_000238.4 (MANE Select); coding-DNA positions 1111 to 1123, 13 bases deleted (ACTGAGAAGGTCA).
Protein change: p.Thr371fs; shifts the reading frame from threonine 371.
Molecular consequence: frameshift variant. On other transcripts: non-coding transcript variant (1).
Genome position (GRCh38, 1-based): chr7:150,957,296-150,957,308, TGACCTTCTCAGT deleted on the plus strand (ACTGAGAAGGTCA on the coding strand, the reverse complement: KCNH2 is on the minus strand). VCF-style (leftmost placement, unchanged base first): chr7-150957295-GTGACCTTCTCAGT-G. GRCh37 (hg19) VCF-style: chr7-150654383-GTGACCTTCTCAGT-G.
Other names: c.823_835del, p.Thr275fs (NM_001406753.1, NM_001406756.1); c.934_946del, p.Thr312fs (NM_001406755.1); c.811_823del, p.Thr271fs (NM_001406757.1); c.1111_1123del, p.Thr371fs (NM_172056.3); c.1111_1123delACTGAGAAGGTCA, p.Thr371Profs (NM_000238.3); short protein forms T271fs, T275fs, T312fs, T371fs.
Identifiers: ClinVar variation 5037809 (VCV005037809.1).

ClinVar aggregate classification (germline): Likely pathogenic (1 of 4 stars; one submission).

Conditions:
Cardiovascular phenotype. Identifiers: MedGen CN230736.

Submission:

Molecular Diagnostic Laboratory for Inherited Cardiovascular Disease, Montreal Heart Institute
Classification: Likely pathogenic for Cardiovascular phenotype. Last evaluated: 2026-07-23. Review status: criteria provided, single submitter. Criteria: ACMG Guidelines, 2015. Collection method: clinical testing. Allele origin: germline. Affected: yes.
Comment: PVS1, PM2